The following is an entry in ClinVar:

NM_001291303.3(FAT4):c.13011C>T (p.Phe4337=)

Gene: FAT4 (FAT atypical cadherin 4; plus strand). Cytogenetic location: 4q28.1.
Variant type: single nucleotide variant.
Coding change: c.13011C>T on transcript NM_001291303.3 (MANE Select); coding-DNA position 13011, C replaced by T.
Protein change: p.Phe4337=; no amino-acid change (phenylalanine 4337 retained).
Molecular consequence: synonymous variant.
Genome position (GRCh38, 1-based): chr4:125,487,533, C>T. VCF-style: chr4-125487533-C-T. GRCh37 (hg19) VCF-style: chr4-126408688-C-T.
Other names: c.13011C>T, p.Phe4337= (NM_001291285.3); c.13005C>T, p.Phe4335= (NM_024582.6).
Identifiers: ClinVar variation 1675961 (VCV001675961.36), dbSNP rs778396214, ClinGen allele CA3074238.

ClinVar aggregate classification (germline): Likely benign. Review status: criteria provided, multiple submitters, no conflicts (2 of 4 stars). 2 submissions from 2 submitters: Likely benign (2). Last evaluated 2025-11-25.

Allele frequency attached by ClinVar (database versions not stated): gnomAD 0.00001 and 0.00002; TOPMed 0.00001; ExAC 0.00002; gnomAD exomes 0.00002.
gnomAD v4.1: 28 of 1,613,758 alleles (0.0017%); highest among the groups gnomAD compares: South Asian, 0.0044%; no homozygotes.

Submissions (2):

Labcorp Genetics (formerly Invitae), Labcorp
Classification: Likely benign. Last evaluated: 2025-11-25. Review status: criteria provided, single submitter. Criteria: Invitae Variant Classification Sherloc (09022015). Collection method: clinical testing. Allele origin: germline.

CeGaT Center for Human Genetics Tuebingen
Classification: Likely benign. Last evaluated: 2023-09-01. Review status: criteria provided, single submitter. Criteria: CeGaT Center For Human Genetics Tuebingen Variant Classification Criteria Version 2. Collection method: clinical testing. Allele origin: germline. Affected: yes. Observed: 2 variant alleles.
Comment: FAT4: BP4, BP7